The following is an entry in ClinVar:

NM_015271.5(TRIM2):c.1211_1212delinsGC (p.Ala404Gly)

Gene: TRIM2 (tripartite motif containing 2; plus strand). Cytogenetic location: 4q31.3.
Variant type: Indel.
Coding change: c.1211_1212delinsGC on transcript NM_015271.5 (MANE Select); coding-DNA positions 1211 to 1212, CA replaced by GC.
Protein change: p.Ala404Gly; replaces alanine 404 with glycine.
Molecular consequence: missense variant.
Genome position (GRCh38, 1-based): chr4:153,295,737-153,295,738, CA replaced by GC. VCF-style: chr4-153295737-CA-GC. GRCh37 (hg19) VCF-style: chr4-154216889-CA-GC.
Other names: c.1130_1131delinsGC, p.Ala377Gly (NM_001130067.2, NM_001351056.2, NM_001375512.1 and 5 more transcripts); c.1184_1185delinsGC, p.Ala395Gly (NM_001351054.2); c.1181_1182delinsGC, p.Ala394Gly (NM_001351055.2); c.755_756delinsGC, p.Ala252Gly (NM_001351057.2); c.1304_1305delinsGC, p.Ala435Gly (NM_001375488.1); c.1301_1302delinsGC, p.Ala434Gly (NM_001375489.1); c.1154_1155delinsGC, p.Ala385Gly (NM_001375490.1); c.1151_1152delinsGC, p.Ala384Gly (NM_001375491.1); and 3 more; short protein forms A252G, A292G, A395G, A434G, A404G, A293G, A384G, A394G.
Identifiers: ClinVar variation 1519438 (VCV001519438.6), dbSNP rs2150144886, ClinGen allele CA2573138110.
Genomic context (GRCh38, chr4:153,295,737, plus strand): 5'-TGTGCAAAACCGGCAACGCCTACCTCACCGCCGAACTGAGCACCCCCGACGGGAGCGTGG[CA>GC]GACGGGGAGATCCTGGACAACAAGAACGGCACCTATGAGTTTTTGTACACTGTCCAGAAG-3'
Protein context (NP_056086.2, residues 394-414): AELSTPDGSV[Ala404Gly]DGEILDNKNG

ClinVar aggregate classification (germline): Uncertain significance (1 of 4 stars; one submission).

Conditions:
Charcot-Marie-Tooth disease type 2R. Also called: CHARCOT-MARIE-TOOTH DISEASE, AXONAL, AUTOSOMAL RECESSIVE, TYPE 2R; Charcot-Marie-Tooth disease, axonal, type 2R; CHARCOT-MARIE-TOOTH NEUROPATHY, TYPE 2R. Identifiers: Orphanet 397968, MedGen C3809655, MONDO:0014208, OMIM 615490.

Submission:

Labcorp Genetics (formerly Invitae), Labcorp
Classification: Uncertain significance for Charcot-Marie-Tooth disease type 2R. Last evaluated: 2023-08-17. Review status: criteria provided, single submitter. Criteria: Invitae Variant Classification Sherloc (09022015). Collection method: clinical testing. Allele origin: germline.
Comment: This variant has not been reported in the literature in individuals affected with TRIM2-related conditions. In summary, the available evidence is currently insufficient to determine the role of this variant in disease. Therefore, it has been classified as a Variant of Uncertain Significance. An algorithm developed to predict the effect of missense changes on protein structure and function (PolyPhen-2) suggests that this variant is likely to be tolerated. ClinVar contains an entry for this variant (Variation ID: 1519438). This variant is present in population databases (no rsID available, gnomAD 0.003%). This sequence change replaces alanine, which is neutral and non-polar, with glycine, which is neutral and non-polar, at codon 377 of the TRIM2 protein (p.Ala377Gly).